The following is an entry in ClinVar:

NM_000435.3(NOTCH3):c.5422A>G (p.Thr1808Ala)

Gene: NOTCH3 (notch receptor 3; minus strand). Cytogenetic location: 19p13.12.
Variant type: single nucleotide variant.
Coding change: c.5422A>G on transcript NM_000435.3 (MANE Select); coding-DNA position 5422, A replaced by G.
Protein change: p.Thr1808Ala; replaces threonine 1808 with alanine.
Molecular consequence: missense variant.
Genome position (GRCh38, 1-based): chr19:15,166,032, T>C on the plus strand (A>G on the coding strand, the complement: NOTCH3 is on the minus strand). VCF-style: chr19-15166032-T-C. GRCh37 (hg19) VCF-style: chr19-15276843-T-C.
Other names: short protein forms T1808A.
Identifiers: ClinVar variation 3030818 (VCV003030818.2), dbSNP rs2512617758, ClinGen allele CA404495001.

ClinVar aggregate classification (germline): Uncertain significance (0 of 4 stars; one submission).

Conditions:
NOTCH3-related disorder. Also called: NOTCH3-related condition; NOTCH3-related disorders.

Allele frequency attached by ClinVar (database versions not stated): gnomAD exomes below 0.00001.
gnomAD v4.1: 2 of 1,614,168 alleles (0.00012%); highest among the groups gnomAD compares: East Asian, 0.0022%; no homozygotes.

Submission:

PreventionGenetics, part of Exact Sciences
Classification: Uncertain significance for NOTCH3-related condition. Last evaluated: 2024-02-20. Review status: no assertion criteria provided. Collection method: clinical testing. Allele origin: germline.
Comment: The NOTCH3 c.5422A>G variant is predicted to result in the amino acid substitution p.Thr1808Ala. To our knowledge, this variant has not been reported in the literature or in a large population database, indicating this variant is rare. At this time, the clinical significance of this variant is uncertain due to the absence of conclusive functional and genetic evidence.